The following is an entry in ClinVar:

ClinVar aggregate classification (germline): Uncertain significance (1 of 4 stars; one submission).

Submission:

Women's Health and Genetics/Laboratory Corporation of America, LabCorp
Classification: Uncertain significance. Last evaluated: 2026-02-11. Review status: criteria provided, single submitter. Criteria: LabCorp Variant Classification Summary - May 2015. Collection method: clinical testing. Allele origin: germline.
Comment: Variant summary: MAP3K14 c.1657G>T (p.Asp553Tyr) results in a non-conservative amino acid change in the encoded protein sequence, near a canonical splice site. Algorithms developed to predict the effect of missense changes on protein structure and function are either unavailable or do not agree on the potential impact of this missense change. Several computational tools predict a significant impact on normal splicing: Three predict the variant weakens a 5' donor site. However, these predictions have yet to be confirmed by functional studies. The variant allele was found at a frequency of 0.00022 in 238282 control chromosomes. This frequency is not significantly higher than estimated for disease-causing variants in MAP3K14, allowing no conclusion about variant significance. To our knowledge, no occurrence of c.1657G>T in individuals affected with MAP3K14-related conditions and no experimental evidence demonstrating its impact on protein function have been reported. ClinVar contains an entry for this variant (Variation ID: 1149710). Based on the evidence outlined above, the variant was classified as uncertain significance.

NM_003954.5(MAP3K14):c.1657G>T (p.Gly553Trp)

Gene: MAP3K14 (mitogen-activated protein kinase kinase kinase 14; minus strand). Cytogenetic location: 17q21.31.
Variant type: single nucleotide variant.
Coding change: c.1657G>T on transcript NM_003954.5 (MANE Select); coding-DNA position 1657, G replaced by T.
Protein change: p.Gly553Trp; replaces glycine 553 with tryptophan.
Molecular consequence: missense variant.
Genome position (GRCh38, 1-based): chr17:45,273,503, C>A on the plus strand (G>T on the coding strand, the complement: MAP3K14 is on the minus strand). VCF-style: chr17-45273503-C-A. GRCh37 (hg19) VCF-style: chr17-43350870-C-A.
Other names: short protein forms G553W.
Identifiers: ClinVar variation 4847898 (VCV004847898.1).